The following is an entry in ClinVar:

ClinVar aggregate classification (germline): Pathogenic (1 of 4 stars; one submission).

Conditions:
Tumor predisposition syndrome 3 (TPDS3). Also called: Melanoma, cutaneous malignant, susceptibility to, 10; LONG TELOMERE SYNDROME, POT1-RELATED; POT1 Tumor Predisposition; Glioma susceptibility 9. Identifiers: Orphanet 618, MedGen C4014476, MONDO:0014368, OMIM 615848.

Submission:

Labcorp Genetics (formerly Invitae), Labcorp
Classification: Pathogenic for Tumor predisposition syndrome 3. Last evaluated: 2021-07-26. Review status: criteria provided, single submitter. Criteria: Invitae Variant Classification Sherloc (09022015). Collection method: clinical testing. Allele origin: germline.
Comment: This variant is a gross deletion of the genomic region encompassing exon(s) 10 of the POT1 gene. This deletion is out-of-frame, and is expected to create a premature translational stop signal and result in an absent or disrupted protein product. Loss-of-function variants in POT1 are known to be pathogenic (PMID: 32155570). This variant has not been reported in the literature in individuals affected with POT1-related conditions. For these reasons, this variant has been classified as Pathogenic.

Literature cited by the submitters: PubMed 32155570.

NC_000007.14:g.(?_124852966)_(124853144_?)del

Gene: POT1 (protection of telomeres 1; minus strand). Cytogenetic location: 7q31.33.
Variant type: Deletion.
Identifiers: ClinVar variation 584315 (VCV000584315.7).